The following is an entry in ClinVar:

NM_014911.5(AAK1):c.2881C>T (p.Leu961=)

Gene: AAK1 (AP2 associated kinase 1; minus strand). Cytogenetic location: 2p13.3.
Variant type: single nucleotide variant.
Coding change: c.2881C>T on transcript NM_014911.5 (MANE Select); coding-DNA position 2881, C replaced by T.
Protein change: p.Leu961=; no amino-acid change (leucine 961 retained).
Molecular consequence: synonymous variant. On other transcripts: intron variant (3).
Genome position (GRCh38, 1-based): chr2:69,475,874, G>A on the plus strand (C>T on the coding strand, the complement: AAK1 is on the minus strand). VCF-style: chr2-69475874-G-A. GRCh37 (hg19) VCF-style: chr2-69703006-G-A.
Other names: c.2764C>T, p.Leu922= (NM_001371575.1); c.1981-14163C>T (NM_001371577.1); c.2270-9323C>T (NM_001426746.1); c.2273-9323C>T (NM_001426745.1).
Identifiers: ClinVar variation 4084737 (VCV004084737.8).

ClinVar aggregate classification (germline): Likely benign (1 of 4 stars; one submission).

gnomAD v4.1: 14 of 1,611,112 alleles (0.00087%); highest among the groups gnomAD compares: South Asian, 0.0011%; no homozygotes.

Submission:

CeGaT Center for Human Genetics Tuebingen
Classification: Likely benign. Last evaluated: 2025-07-01. Review status: criteria provided, single submitter. Criteria: CeGaT Center For Human Genetics Tuebingen Variant Classification Criteria Version 2. Collection method: clinical testing. Allele origin: germline. Affected: yes. Observed: 1 variant allele.
Comment: AAK1: BP4, BP7